The following is an entry in ClinVar:

ClinVar aggregate classification (germline): Uncertain significance (1 of 4 stars; one submission).

Conditions:
Joubert syndrome 21 (JBTS21). Identifiers: MedGen C3810212, MONDO:0014288, OMIM 615636.

gnomAD v4.1: 39 of 1,597,568 alleles (0.0024%); highest among the groups gnomAD compares: Non-Finnish European, 0.0033%; no homozygotes.

Submission:

Labcorp Genetics (formerly Invitae), Labcorp
Classification: Uncertain significance for Joubert syndrome 21. Last evaluated: 2021-08-26. Review status: criteria provided, single submitter. Criteria: Invitae Variant Classification Sherloc (09022015). Collection method: clinical testing. Allele origin: germline.
Comment: This sequence change replaces arginine with proline at codon 405 of the CSPP1 protein (p.Arg405Pro). The arginine residue is highly conserved and there is a moderate physicochemical difference between arginine and proline. This variant also falls at the last nucleotide of exon 9, which is part of the consensus splice site for this exon. This variant is present in population databases (rs760205035, ExAC 0.01%). This variant has not been reported in the literature in individuals affected with CSPP1-related conditions. Algorithms developed to predict the effect of missense changes on protein structure and function are either unavailable or do not agree on the potential impact of this missense change (SIFT: "Deleterious"; PolyPhen-2: "Probably Damaging"; Align-GVGD: "Class C0"). Variants that disrupt the consensus splice site are a relatively common cause of aberrant splicing (PMID: 17576681, 9536098). Algorithms developed to predict the effect of sequence changes on RNA splicing suggest that this variant may disrupt the consensus splice site. This variant disrupts the c.1214G nucleotide in the CSPP1 gene. Other variant(s) that disrupt this nucleotide have been determined to be pathogenic (PMID: 9536098, 17576681, 24360808). This suggests that this nucleotide is clinically significant, and that variants that disrupt this position are likely to be disease-causing. In summary, the available evidence is currently insufficient to determine the role of this variant in disease. Therefore, it has been classified as a Variant of Uncertain Significance.

Literature cited by the submitters: PubMed 17576681; PubMed 9536098; PubMed 24360808.

NM_001382391.1(CSPP1):c.1187G>C (p.Arg396Pro)

Gene: CSPP1 (centrosome and spindle pole associated protein 1; plus strand). Cytogenetic location: 8q13.2.
Variant type: single nucleotide variant.
Coding change: c.1187G>C on transcript NM_001382391.1 (MANE Select); coding-DNA position 1187, G replaced by C.
Protein change: p.Arg396Pro; replaces arginine 396 with proline.
Molecular consequence: missense variant.
Genome position (GRCh38, 1-based): chr8:67,112,065, G>C. VCF-style: chr8-67112065-G-C. GRCh37 (hg19) VCF-style: chr8-68024300-G-C.
Other names: c.332G>C, p.Arg111Pro (NM_001291339.2); c.1106G>C, p.Arg369Pro (NM_001363131.2, NM_001363133.2); c.1187G>C, p.Arg396Pro (NM_001363132.2); c.1295G>C, p.Arg432Pro (NM_001364869.1); c.1115G>C, p.Arg372Pro (NM_001364870.1); c.1214G>C, p.Arg405Pro (NM_024790.7); short protein forms R372P, R111P, R369P, R396P, R432P, R405P.
Identifiers: ClinVar variation 1502612 (VCV001502612.5), dbSNP rs760205035, ClinGen allele CA4770470.
Genomic context (GRCh38, chr8:67,112,065, plus strand): 5'-AAGAGAAATACAGACTAGAACTGTTGGAACAAATGGCTGAGCAACAGAGGAACAAGAGAC[G>C]GTAATGAAAGGTTTGCATTTAAAAGAGATATTTTGAGTTTAAAGTGCATTTGTGTAAAAT-3'
Protein context (NP_001369320.1, residues 386-406): QMAEQQRNKR[Arg396Pro]EKDLELRVAA